The following is an entry in ClinVar:

ClinVar aggregate classification (germline): Uncertain significance. Review status: criteria provided, multiple submitters, no conflicts (2 of 4 stars). 2 submissions from 2 submitters: Uncertain significance (2). Last evaluated 2026-01-06.

Conditions:
Hereditary cancer-predisposing syndrome. Also called: Neoplastic Syndromes, Hereditary; Tumor predisposition; Hereditary Cancer Syndrome; Hereditary neoplastic syndrome. Identifiers: Orphanet 140162, MedGen C0027672, MeSH D009386, MONDO:0015356.

Allele frequency attached by ClinVar (database versions not stated): gnomAD exomes below 0.00001.

Submissions (2):

Labcorp Genetics (formerly Invitae), Labcorp
Classification: Uncertain significance. Last evaluated: 2026-01-06. Review status: criteria provided, single submitter. Criteria: Invitae Variant Classification Sherloc (09022015). Collection method: clinical testing. Allele origin: germline.
Comment: This sequence change creates a premature translational stop signal (p.Glu230*) in the HOXB13 gene. While this is not anticipated to result in nonsense mediated decay, it is expected to disrupt the last 55 amino acid(s) of the HOXB13 protein. This variant is present in population databases (no rsID available, gnomAD 0.007%). This variant has not been reported in the literature in individuals affected with HOXB13-related conditions. ClinVar contains an entry for this variant (Variation ID: 1755999). Experimental studies and prediction algorithms are not available or were not evaluated, and the functional significance of this variant is currently unknown. In summary, the available evidence is currently insufficient to determine the role of this variant in disease. Therefore, it has been classified as a Variant of Uncertain Significance.

Ambry Genetics
Classification: Uncertain significance for Hereditary cancer-predisposing syndrome. Last evaluated: 2025-11-20. Review status: criteria provided, single submitter. Criteria: Ambry Variant Classification Scheme 2023. Collection method: clinical testing. Allele origin: germline.
Comment: The p.E230* variant (also known as c.688G>T), located in coding exon 2 of the HOXB13 gene, results from a G to T substitution at nucleotide position 688. This changes the amino acid from a glutamic acid to a stop codon within coding exon 2. This alteration occurs at the 3' terminus of the gene and is not expected to trigger nonsense-mediated mRNA decay. Based on the available evidence, the clinical significance of this alteration remains unclear.

NM_006361.6(HOXB13):c.688G>T (p.Glu230Ter)

Gene: HOXB13 (homeobox B13; minus strand). Cytogenetic location: 17q21.32.
Variant type: single nucleotide variant.
Coding change: c.688G>T on transcript NM_006361.6 (MANE Select); coding-DNA position 688, G replaced by T.
Protein change: p.Glu230Ter; replaces glutamic acid 230 with a stop codon.
Molecular consequence: nonsense.
Genome position (GRCh38, 1-based): chr17:48,726,957, C>A on the plus strand (G>T on the coding strand, the complement: HOXB13 is on the minus strand). VCF-style: chr17-48726957-C-A. GRCh37 (hg19) VCF-style: chr17-46804319-C-A.
Other names: short protein forms E230*.
Identifiers: ClinVar variation 1755999 (VCV001755999.5), dbSNP rs1302905544, ClinGen allele CA400106623.